The following is an entry in ClinVar:

ClinVar aggregate classification (germline): Pathogenic/Likely pathogenic. Review status: criteria provided, multiple submitters, no conflicts (2 of 4 stars). 5 submissions from 4 submitters: Pathogenic (1); Likely pathogenic (4). Last evaluated 2025-01-15.

Conditions:
Pulmonary hypertension, neonatal, susceptibility to (PHN). Identifiers: MedGen C3714958, MONDO:0014151, OMIM 615371.
Congenital hyperammonemia, type I. Also called: Carbamoyl-phosphate synthase I deficiency; Carbamoyl phosphate synthetase I deficiency disease; Carbamoyl phosphate synthetase 1 deficiency; Hyperammonemia due to carbamoyl phosphate synthetase 1 deficiency; CPS 1 deficiency; Carbamyl phosphate synthetase (CPS) deficiency. Identifiers: Orphanet 147, MedGen C4082171, MONDO:0009376, OMIM 237300.

Submissions (5):

Labcorp Genetics (formerly Invitae), Labcorp
Classification: Pathogenic for Congenital hyperammonemia, type I. Last evaluated: 2025-01-15. Review status: criteria provided, single submitter. Criteria: Invitae Variant Classification Sherloc (09022015). Collection method: clinical testing. Allele origin: germline.
Comment: This variant, c.306_311dup, results in the insertion of 2 amino acid(s) of the CPS1 protein (p.Asn103_Gly104dup), but otherwise preserves the integrity of the reading frame. This variant is present in population databases (no rsID available, gnomAD 0.004%). This variant has been observed in individual(s) with carbamoyl phosphate synthetase I deficiency and/or clinical features of CPS1-related conditions (PMID: 16737834, 31392117; internal data). In at least one individual the data is consistent with being in trans (on the opposite chromosome) from a pathogenic variant. This variant is also known as 426ins6 or c.434insGAATGG. ClinVar contains an entry for this variant (Variation ID: 477854). Experimental studies and prediction algorithms are not available or were not evaluated, and the functional significance of this variant is currently unknown. For these reasons, this variant has been classified as Pathogenic.

Natera, Inc.
Classification: Likely pathogenic for Carbamoyl-phosphate synthase I deficiency. Last evaluated: 2024-05-30. Review status: criteria provided, single submitter. Criteria: Natera Variant Classification Schema (03/2026). Collection method: clinical testing. Allele origin: germline.
Comment: The c.306_311dupGAATGG variant in CPS1 is an in-frame insertion. This variant is rare in the general population with a frequency below the threshold expected for the associated phenotype(s). This variant has been observed in one or more individuals affected with the associated recessive disease, as either homozygous or compound heterozygous with a second variant (PMID: 9686343, 31392117, 16737834). This variant has been identified in one or more affected individuals with a phenotype highly consistent with the associated gene (PMID: 31392117). This variant results in a change to the protein length while preserving reading frame, which may disrupt normal protein structure or function. Given the available evidence, this variant is classified as Likely Pathogenic.

Baylor Genetics
Classification: Likely pathogenic for Pulmonary hypertension, neonatal, susceptibility to. Last evaluated: 2024-03-18. Review status: criteria provided, single submitter. Criteria: ACMG Guidelines, 2015. Collection method: clinical testing. Allele origin: unknown.

Baylor Genetics
Classification: Likely pathogenic for Congenital hyperammonemia, type I. Last evaluated: 2022-09-12. Review status: criteria provided, single submitter. Criteria: ACMG Guidelines, 2015. Collection method: clinical testing. Allele origin: unknown.

Women's Health and Genetics/Laboratory Corporation of America, LabCorp
Classification: Likely pathogenic for Congenital hyperammonemia, type I. Last evaluated: 2022-03-10. Review status: criteria provided, single submitter. Criteria: LabCorp Variant Classification Summary - May 2015. Collection method: clinical testing. Allele origin: germline.
Comment: Variant summary: CPS1 c.306_311dupGAATGG (p.Asn103_Gly104dup) results in an in-frame duplication that is predicted to duplicate two amino acids into the encoded protein. The variant allele was found at a frequency of 4e-06 in 251292 control chromosomes (gnomAD). c.306_311dupGAATGG has been reported in the literature in compound heterozygous and homozygous individuals affected with Carbamoylphosphate Synthetase I Deficiency (Summar_1998, Eeds_2006, Celik_2019). These data indicate that the variant is likely to be associated with disease. To our knowledge, no experimental evidence demonstrating an impact on protein function has been reported. One ClinVar submitter (evaluation after 2014) cites the variant as likely pathogenic. Based on the evidence outlined above, the variant was classified as likely pathogenic.

Literature cited by the submitters: PubMed 16737834 (cited by 3 submitters); PubMed 31392117 (cited by 3 submitters); PubMed 9686343 (cited by Natera, Inc. and Women's Health and Genetics/Laboratory Corporation of America, LabCorp); PubMed 20800523 (cited by Women's Health and Genetics/Laboratory Corporation of America, LabCorp); PubMed 21120950 (cited by Women's Health and Genetics/Laboratory Corporation of America, LabCorp); PubMed 31507628 (cited by Women's Health and Genetics/Laboratory Corporation of America, LabCorp).

NM_001875.5(CPS1):c.306_311dup (p.Asn103_Gly104dup)

Gene: CPS1 (carbamoyl-phosphate synthase 1; plus strand). Cytogenetic location: 2q34.
Variant type: Duplication.
Coding change: c.306_311dup on transcript NM_001875.5 (MANE Select); coding-DNA positions 306 to 311, 6 bases duplicated (GAATGG; older notation c.306_311dupGAATGG).
Protein change: p.Asn103_Gly104dup.
Molecular consequence: inframe insertion. On other transcripts: non-coding transcript variant (1).
Genome position (GRCh38, 1-based): chr2:210,576,415-210,576,420, GAATGG duplicated; duplicating any 6 consecutive bases within chr2:210,576,412-210,576,420 gives the same sequence; the c. name uses the placement nearest the transcript's 3' end. VCF-style (leftmost placement, unchanged base first): chr2-210576411-T-TTGGGAA. GRCh37 (hg19) VCF-style: chr2-211441135-T-TTGGGAA.
Other names: c.306_311dup (LRG_336t1); c.306_311dupGAATGG (NM_001875.4); c.306_311dup, p.Asn103_Gly104dup (NM_001122633.3, NM_001369257.1); c.339_344dup, p.Asn114_Gly115dup (NM_001369256.1).
Identifiers: ClinVar variation 477854 (VCV000477854.13), dbSNP rs1288123680, ClinGen allele CA539123524.